The following is an entry in ClinVar:

NM_003119.4(SPG7):c.1053del (p.Gly352fs)

Gene: SPG7 (SPG7 matrix AAA peptidase subunit, paraplegin; plus strand). Cytogenetic location: 16q24.3.
Variant type: Deletion.
Coding change: c.1053del on transcript NM_003119.4 (MANE Select); coding-DNA position 1053, one base deleted (C; older notation c.1053delC).
Protein change: p.Gly352fs; shifts the reading frame from glycine 352.
Molecular consequence: frameshift variant.
Genome position (GRCh38, 1-based): chr16:89,531,969, C deleted; the last of 7 consecutive C bases (chr16:89,531,963-89,531,969); deleting any one gives the same sequence. VCF-style (leftmost placement, unchanged base first): chr16-89531962-GC-G. GRCh37 (hg19) VCF-style: chr16-89598370-GC-G.
Other names: c.1053del, p.Gly352fs (NM_001363850.1, NM_199367.3); short protein forms G352fs.
Identifiers: ClinVar variation 1363777 (VCV001363777.8), dbSNP rs760818649, ClinGen allele CA8243921.
Genomic context (GRCh38, chr16:89,531,962, plus strand): 5'-AGAGCCCAGAACGCTTCCTCCAGCTTGGCGCCAAGGTCCCAAAGGGCGCACTGCTGCTCG[GC>G]CCCCCCGGCTGTGGGAAGACGCTGCTGGCCAAGGCGGTGGCCACGGAGGCTCAGGTGCCC-3'

ClinVar aggregate classification (germline): Pathogenic/Likely pathogenic. Review status: criteria provided, multiple submitters, no conflicts (2 of 4 stars). 3 submissions from 3 submitters: Pathogenic (2); Likely pathogenic (1). Last evaluated 2025-04-20.

Conditions:
Hereditary spastic paraplegia 7 (SPG7). Also called: Autosomal recessive spastic paraplegia type 7; SPG7-related neurologic disorder; SPASTIC PARAPLEGIA 7, AUTOSOMAL RECESSIVE, WITH OR WITHOUT CEREBELLAR ATAXIA; Spastic paraplegia 7; Hereditary spastic paraplegia Paraplegin type. Identifiers: Orphanet 99013, MedGen C1846564, MONDO:0011803, OMIM 607259.

Submissions (3):

Labcorp Genetics (formerly Invitae), Labcorp
Classification: Pathogenic for Hereditary spastic paraplegia 7. Last evaluated: 2025-04-20. Review status: criteria provided, single submitter. Criteria: Invitae Variant Classification Sherloc (09022015). Collection method: clinical testing. Allele origin: germline.
Comment: This sequence change creates a premature translational stop signal (p.Gly352Alafs*87) in the SPG7 gene. It is expected to result in an absent or disrupted protein product. Loss-of-function variants in SPG7 are known to be pathogenic (PMID: 21623769, 22964162). The frequency data for this variant in the population databases is considered unreliable, as metrics indicate poor data quality at this position in the gnomAD database. This variant has not been reported in the literature in individuals affected with SPG7-related conditions. ClinVar contains an entry for this variant (Variation ID: 1363777). For these reasons, this variant has been classified as Pathogenic.

Fulgent Genetics
Classification: Likely pathogenic for Hereditary spastic paraplegia 7. Last evaluated: 2024-03-18. Review status: criteria provided, single submitter. Criteria: ACMG Guidelines, 2015. Collection method: clinical testing. Allele origin: germline.

PROSPAX: an integrated multimodal progression  chart in spastic ataxias, Center for Neurology; Hertie-Institute for Clinical Brain Research
Classification: Pathogenic for Hereditary spastic paraplegia 7. Last evaluated: 2022-01-01. Review status: criteria provided, single submitter. Criteria: ACMG Guidelines, 2015. Collection method: research. Allele origin: germline. Affected: yes. Observed: 2 variant alleles, 1 compound heterozygote, 1 homozygote.

Literature cited by the submitters: PubMed 21623769 (cited by Labcorp Genetics (formerly Invitae), Labcorp); PubMed 22964162 (cited by Labcorp Genetics (formerly Invitae), Labcorp).